The following is an entry in ClinVar:

ClinVar aggregate classification (germline): Pathogenic (1 of 4 stars; one submission).

Conditions:
Mucopolysaccharidosis, MPS-IV-A (MPS4A). Also called: Morquio syndrome A, mild; MORQUIO SYNDROME A; GALACTOSAMINE-6-SULFATASE DEFICIENCY; GALNS DEFICIENCY; MORQUIO A DISEASE; Mucopolysaccharidosis type IV A. Identifiers: Orphanet 309297, Orphanet 582, MedGen C0086651, MONDO:0009659, OMIM 253000.

Submission:

Labcorp Genetics (formerly Invitae), Labcorp
Classification: Pathogenic for Mucopolysaccharidosis, MPS-IV-A. Last evaluated: 2022-12-11. Review status: criteria provided, single submitter. Criteria: Invitae Variant Classification Sherloc (09022015). Collection method: clinical testing. Allele origin: unknown.
Comment: For these reasons, this variant has been classified as Pathogenic. This variant has not been reported in the literature in individuals affected with GALNS-related conditions. This variant is a gross deletion of the genomic region encompassing exon(s) 9-12 of the GALNS gene. This deletion is out-of-frame, and is expected to create a premature termination codon and result in an absent or disrupted protein product. Loss-of-function variants in GALNS are known to be pathogenic (PMID: 12442278).

Literature cited by the submitters: PubMed 12442278.

NC_000016.9:g.(?_88888977)_(88898676_?)del

Gene: GALNS (galactosamine (N-acetyl)-6-sulfatase; minus strand). Cytogenetic location: 16q24.3.
Variant type: Deletion.
Identifiers: ClinVar variation 3243324 (VCV003243324.1).